The following is an entry in ClinVar:

NM_001379659.1(ZNF142):c.1287G>T (p.Val429=)

Gene: ZNF142 (zinc finger protein 142; minus strand). Cytogenetic location: 2q35.
Variant type: single nucleotide variant.
Coding change: c.1287G>T on transcript NM_001379659.1 (MANE Select); coding-DNA position 1287, G replaced by T.
Protein change: p.Val429=; no amino-acid change (valine 429 retained).
Molecular consequence: synonymous variant.
Genome position (GRCh38, 1-based): chr2:218,649,221, C>A on the plus strand (G>T on the coding strand, the complement: ZNF142 is on the minus strand). VCF-style: chr2-218649221-C-A. GRCh37 (hg19) VCF-style: chr2-219513944-C-A.
Other names: c.687G>T, p.Val229= (NM_001105537.5, NM_001366291.3, NM_001379662.1); c.198G>T, p.Val66= (NM_001366287.3, NM_001366288.3, NM_001366289.3); c.1287G>T, p.Val429= (NM_001366290.3, NM_001379660.1, NM_001379661.1).
Identifiers: ClinVar variation 3770569 (VCV003770569.13).

ClinVar aggregate classification (germline): Likely benign (1 of 4 stars; one submission).

Submission:

CeGaT Center for Human Genetics Tuebingen
Classification: Likely benign. Last evaluated: 2025-02-01. Review status: criteria provided, single submitter. Criteria: CeGaT Center For Human Genetics Tuebingen Variant Classification Criteria Version 2. Collection method: clinical testing. Allele origin: germline. Affected: yes. Observed: 1 variant allele.
Comment: ZNF142: PM2:Supporting, BP4, BP7